The following is an entry in ClinVar:

NM_017950.4(CCDC40):c.1834C>T (p.Gln612Ter)

Gene: CCDC40 (coiled-coil domain 40 molecular ruler complex subunit; plus strand). Cytogenetic location: 17q25.3.
Variant type: single nucleotide variant.
Coding change: c.1834C>T on transcript NM_017950.4 (MANE Select); coding-DNA position 1834, C replaced by T.
Protein change: p.Gln612Ter; replaces glutamine 612 with a stop codon.
Molecular consequence: nonsense.
Genome position (GRCh38, 1-based): chr17:80,081,903, C>T. VCF-style: chr17-80081903-C-T. GRCh37 (hg19) VCF-style: chr17-78055702-C-T.
Other names: c.1834C>T, p.Gln612Ter (NM_001243342.2); short protein forms Q612*.
Identifiers: ClinVar variation 4771983 (VCV004771983.1).
Genomic context (GRCh38, chr17:80,081,903, plus strand): 5'-AGGCACGTGCACCCTGTGGCTCCTTGTCTCCAGGAACAAATGATACTCACGGAGGAGTTG[C>T]AGGCCATCCGCCAAGCCATCCAGGGCGAGCTGGAGCTCAGGAGGAAGACGGATGCTGCCA-3'

ClinVar aggregate classification (germline): Pathogenic (1 of 4 stars; one submission).

Conditions:
Primary ciliary dyskinesia. Also called: Ciliary dyskinesia. Identifiers: Orphanet 244, MedGen C0008780, MONDO:0016575, HP:0012265.

gnomAD v4.1: 1 of 1,614,006 alleles (0.000062%); highest among the groups gnomAD compares: Non-Finnish European, 0.000085%; no homozygotes.

Submission:

Labcorp Genetics (formerly Invitae), Labcorp
Classification: Pathogenic for Primary ciliary dyskinesia. Last evaluated: 2025-05-26. Review status: criteria provided, single submitter. Criteria: Invitae Variant Classification Sherloc (09022015). Collection method: clinical testing. Allele origin: germline.
Comment: This sequence change creates a premature translational stop signal (p.Gln612*) in the CCDC40 gene. It is expected to result in an absent or disrupted protein product. Loss-of-function variants in CCDC40 are known to be pathogenic (PMID: 21131974, 22693285, 23255504). This variant is not present in population databases (gnomAD no frequency). This variant has not been reported in the literature in individuals affected with CCDC40-related conditions. For these reasons, this variant has been classified as Pathogenic.

Literature cited by the submitters: PubMed 21131974; PubMed 22693285; PubMed 23255504.